The following is an entry in ClinVar:

NM_001374736.1(DST):c.19897-8A>G

Gene: DST (dystonin; minus strand). Cytogenetic location: 6p12.1.
Variant type: single nucleotide variant.
Coding change: c.19897-8A>G on transcript NM_001374736.1 (MANE Select); 8 bases into the intron before coding-DNA position 19897, A replaced by G.
Molecular consequence: intron variant.
Genome position (GRCh38, 1-based): chr6:56,498,061, T>C on the plus strand (A>G on the coding strand, the complement: DST is on the minus strand). VCF-style: chr6-56498061-T-C. GRCh37 (hg19) VCF-style: chr6-56362859-T-C.
Other names: c.13540-8A>G (NM_001144769.5); c.19897-8A>G (NM_001374722.1); c.19924-8A>G (NM_001374734.1); c.13126-8A>G (NM_001144770.2); c.12679-8A>G (NM_001374730.1); c.13006-8A>G (NM_001386100.1, NM_183380.4); c.18937-8A>G (NM_001374729.1); c.12028-8A>G (NM_015548.5).
Identifiers: ClinVar variation 2934099 (VCV002934099.3), dbSNP rs2152453438, ClinGen allele CA2711943858.

ClinVar aggregate classification (germline): Uncertain significance (1 of 4 stars; one submission).

Conditions:
Hereditary sensory and autonomic neuropathy type 6. Also called: HSAN VI; Neuropathy, hereditary sensory and autonomic, type VI. Identifiers: Orphanet 314381, MedGen C3539003, MONDO:0013839, OMIM 614653.
Epidermolysis bullosa simplex 3, localized or generalized intermediate, with BP230 deficiency (EBS3). Also called: Epidermolysis bullosa simplex, autosomal recessive 2; Epidermolysis bullosa simplex due to BP230 deficiency. Identifiers: Orphanet 412181, MedGen C3809470, MONDO:0014180, OMIM 615425.

Submission:

Labcorp Genetics (formerly Invitae), Labcorp
Classification: Uncertain significance for Epidermolysis bullosa simplex 3, localized or generalized intermediate, with BP230 deficiency; Hereditary sensory and autonomic neuropathy type 6. Last evaluated: 2023-01-16. Review status: criteria provided, single submitter. Criteria: Invitae Variant Classification Sherloc (09022015). Collection method: clinical testing. Allele origin: germline.
Comment: In summary, the available evidence is currently insufficient to determine the role of this variant in disease. Therefore, it has been classified as a Variant of Uncertain Significance. Experimental studies and prediction algorithms are not available or were not evaluated, and the effect of this variant on mRNA splicing is currently unknown. This variant has not been reported in the literature in individuals affected with DST-related conditions. This variant is not present in population databases (gnomAD no frequency). This sequence change falls in intron 61 of the DST gene. It does not directly change the encoded amino acid sequence of the DST protein. The DST gene has multiple clinically relevant transcripts. This variant occurs in alternate transcript NM_015548.4, and corresponds to NM_001723.5:c.*117456A>G in the primary transcript.